The following is an entry in ClinVar:

NM_005726.6(TSFM):c.192C>A (p.Cys64Ter)

Gene: TSFM (Ts translation elongation factor, mitochondrial; plus strand). Cytogenetic location: 12q14.1.
Variant type: single nucleotide variant.
Coding change: c.192C>A on transcript NM_005726.6 (MANE Select); coding-DNA position 192, C replaced by A.
Protein change: p.Cys64Ter; replaces cysteine 64 with a stop codon.
Molecular consequence: nonsense.
Genome position (GRCh38, 1-based): chr12:57,783,244, C>A. VCF-style: chr12-57783244-C-A. GRCh37 (hg19) VCF-style: chr12-58177027-C-A.
Other names: c.192C>A, p.Cys64Ter (NM_001172695.2, NM_001172696.2, NM_001172697.2); short protein forms C64*.
Identifiers: ClinVar variation 2503795 (VCV002503795.1), dbSNP rs752852871, ClinGen allele CA6659241.
Genomic context (GRCh38, chr12:57,783,244, plus strand): 5'-CTCCAGCAAGGAGCTCCTCATGAAGCTGCGGCGGAAAACAGGCTACTCCTTTGTAAATTG[C>A]AAGAAAGCTCTGGAGACTTGTGGCGGGGACCTCAAACAGGTGTGTGTGTGGAGGGGTGCA-3'

ClinVar aggregate classification (germline): Likely pathogenic (1 of 4 stars; one submission).

Conditions:
Fatal mitochondrial disease due to combined oxidative phosphorylation defect type 3. Also called: ENCEPHALOMYOPATHY, RESPIRATORY FAILURE, AND LACTIC ACIDOSIS; Combined oxidative phosphorylation deficiency 3. Identifiers: Orphanet 168566, MedGen C1864840, MONDO:0012512, OMIM 610505.

Allele frequency attached by ClinVar (database versions not stated): ExAC 0.00001.
gnomAD v4.1: 2 of 1,613,904 alleles (0.00012%); highest among the groups gnomAD compares: Admixed American, 0.0017%; no homozygotes.

Submission:

Lifecell International Pvt. Ltd
Classification: Likely pathogenic for Fatal mitochondrial disease due to combined oxidative phosphorylation defect type 3. Review status: criteria provided, single submitter. Criteria: ACMG Guidelines, 2015. Collection method: clinical testing. Allele origin: germline. Inheritance: Autosomal recessive inheritance. Affected: yes. Observed: 1 compound heterozygote.
Comment: A Heterozygous Nonsense variant c.192C>A in Exon 2 of the TSFM gene that results in the amino acid substitution p.Cys64* was identified. The observed variant has a maximum allele frequency of 0.00% in gnomAD exomes and genomes, respectively. The severity of the impact of this variant on the protein is high, based on the effect of the protein and REVEL score . Rare Exome Variant Ensemble Learner (REVEL) is an ensembl method for predicting the pathogenicity of missense variants based on a combination of scores from 13 individual tools: MutPred, FATHMM v2.3, VEST 3.0, PolyPhen-2, SIFT, PROVEAN, MutationAssessor, MutationTaster, LRT, GERP++, SiPhy, phyloP, and phastCons. The REVEL score for an individual missense variant can range from 0 to 1, with higher scores reflecting greater likelihood that the variant is disease-causing. Based on the above evidence this variant has been classified as Likely Pathogenic according to the ACMG guidelines.